The following is an entry in ClinVar:

NM_000090.4(COL3A1):c.2563G>T (p.Gly855Cys)

Gene: COL3A1 (collagen type III alpha 1 chain; plus strand). Cytogenetic location: 2q32.2.
Variant type: single nucleotide variant.
Coding change: c.2563G>T on transcript NM_000090.4 (MANE Select); coding-DNA position 2563, G replaced by T.
Protein change: p.Gly855Cys; replaces glycine 855 with cysteine.
Molecular consequence: missense variant.
Genome position (GRCh38, 1-based): chr2:189,003,420, G>T. VCF-style: chr2-189003420-G-T. GRCh37 (hg19) VCF-style: chr2-189868146-G-T.
Other names: short protein forms G855C.
Identifiers: ClinVar variation 1483582 (VCV001483582.7), dbSNP rs2153503430, ClinGen allele CA349843442.

ClinVar aggregate classification (germline): Pathogenic/Likely pathogenic. Review status: criteria provided, multiple submitters, no conflicts (2 of 4 stars). 2 submissions from 2 submitters: Pathogenic (1); Likely pathogenic (1). Last evaluated 2021-12-02.

Conditions:
Ehlers-Danlos syndrome, type 4 (EDSVASC). Also called: Ehlers-Danlos syndrome vascular type; Ehlers Danlos syndrome, ecchymotic type; Ehlers Danlos syndrome, arterial type; Ehlers Danlos syndrome, Sack-Barabas type; Ehlers-Danlos Syndrome Type IV. Identifiers: Orphanet 286, MedGen C0268338, MONDO:0017314, OMIM 130050.
Polymicrogyria with or without vascular-type Ehlers-Danlos syndrome. Identifiers: Orphanet 636941, MedGen C5193040, MONDO:0032688, OMIM 618343.

Submissions (2):

Fulgent Genetics
Classification: Pathogenic for Ehlers-Danlos syndrome, type 4; Polymicrogyria with or without vascular-type Ehlers-Danlos syndrome. Last evaluated: 2021-12-02. Review status: criteria provided, single submitter. Criteria: ACMG Guidelines, 2015. Collection method: clinical testing. Allele origin: unknown.

Labcorp Genetics (formerly Invitae), Labcorp
Classification: Likely pathogenic for Ehlers-Danlos syndrome, type 4. Last evaluated: 2021-09-17. Review status: criteria provided, single submitter. Criteria: Invitae Variant Classification Sherloc (09022015). Collection method: clinical testing. Allele origin: germline.
Comment: In summary, the currently available evidence indicates that the variant is pathogenic, but additional data are needed to prove that conclusively. Therefore, this variant has been classified as Likely Pathogenic. This variant disrupts the triple helix domain of COL3A1. Glycine residues within the Gly-Xaa-Yaa repeats of the triple helix domain are required for the structure and stability of fibrillar collagens (PMID: 7695699, 8218237, 19344236). In COL3A1, variants that affect these glycine residues are significantly enriched in individuals with disease (PMID: 24922459, 25758994) compared to the general population (ExAC). Advanced modeling of protein sequence and biophysical properties (such as structural, functional, and spatial information, amino acid conservation, physicochemical variation, residue mobility, and thermodynamic stability) performed at Invitae indicates that this missense variant is expected to disrupt COL3A1 protein function. This missense change has been observed in individual(s) with clinical features of Ehlers-Danlos syndrome (Invitae). This variant is not present in population databases (ExAC no frequency). This sequence change replaces glycine with cysteine at codon 855 of the COL3A1 protein (p.Gly855Cys). The glycine residue is highly conserved and there is a large physicochemical difference between glycine and cysteine.

Literature cited by the submitters: PubMed 7695699 (cited by Labcorp Genetics (formerly Invitae), Labcorp); PubMed 8218237 (cited by Labcorp Genetics (formerly Invitae), Labcorp); PubMed 19344236 (cited by Labcorp Genetics (formerly Invitae), Labcorp); PubMed 24922459 (cited by Labcorp Genetics (formerly Invitae), Labcorp); PubMed 25758994 (cited by Labcorp Genetics (formerly Invitae), Labcorp).